The following is an entry in ClinVar:

ClinVar aggregate classification (germline): Uncertain significance (1 of 4 stars; one submission).

Conditions:
MHC class II deficiency. Also called: Bare lymphocyte syndrome 2; BLS, TYPE II. Identifiers: Orphanet 572, MedGen C5447452, MONDO:0008855.

Allele frequency attached by ClinVar (database versions not stated): gnomAD exomes below 0.00001.
gnomAD v4.1: 1 of 1,583,936 alleles (0.000063%); highest among the groups gnomAD compares: Admixed American, 0.0018%; no homozygotes.

Submission:

Labcorp Genetics (formerly Invitae), Labcorp
Classification: Uncertain significance for MHC class II deficiency. Last evaluated: 2022-07-19. Review status: criteria provided, single submitter. Criteria: Invitae Variant Classification Sherloc (09022015). Collection method: clinical testing. Allele origin: germline.
Comment: Algorithms developed to predict the effect of missense changes on protein structure and function (SIFT, PolyPhen-2, Align-GVGD) all suggest that this variant is likely to be disruptive. In summary, the available evidence is currently insufficient to determine the role of this variant in disease. Therefore, it has been classified as a Variant of Uncertain Significance. This variant has not been reported in the literature in individuals affected with RFXAP-related conditions. The frequency data for this variant in the population databases is considered unreliable, as metrics indicate poor data quality at this position in the gnomAD database. This sequence change replaces cysteine, which is neutral and slightly polar, with arginine, which is basic and polar, at codon 146 of the RFXAP protein (p.Cys146Arg).

NM_000538.4(RFXAP):c.436T>C (p.Cys146Arg)

Gene: RFXAP (regulatory factor X associated protein; plus strand). Cytogenetic location: 13q13.3.
Variant type: single nucleotide variant.
Coding change: c.436T>C on transcript NM_000538.4 (MANE Select); coding-DNA position 436, T replaced by C.
Protein change: p.Cys146Arg; replaces cysteine 146 with arginine.
Molecular consequence: missense variant.
Genome position (GRCh38, 1-based): chr13:36,819,793, T>C. VCF-style: chr13-36819793-T-C. GRCh37 (hg19) VCF-style: chr13-37393930-T-C.
Other names: short protein forms C146R.
Identifiers: ClinVar variation 1979485 (VCV001979485.4), dbSNP rs1280387034, ClinGen allele CA387855390.